The following is an entry in ClinVar:

NM_001365088.1(SLC12A6):c.1517C>G (p.Ser506Cys)

Gene: SLC12A6 (solute carrier family 12 member 6; minus strand). Cytogenetic location: 15q14.
Variant type: single nucleotide variant.
Coding change: c.1517C>G on transcript NM_001365088.1 (MANE Select); coding-DNA position 1517, C replaced by G.
Protein change: p.Ser506Cys; replaces serine 506 with cysteine.
Molecular consequence: missense variant.
Genome position (GRCh38, 1-based): chr15:34,250,705, G>C on the plus strand (C>G on the coding strand, the complement: SLC12A6 is on the minus strand). VCF-style: chr15-34250705-G-C. GRCh37 (hg19) VCF-style: chr15-34542906-G-C.
Other names: c.1340C>G, p.Ser447Cys (NM_001042494.2, NM_001042495.2); c.1490C>G, p.Ser497Cys (NM_001042496.2); c.1472C>G, p.Ser491Cys (NM_001042497.2); c.1364C>G, p.Ser455Cys (NM_005135.2); c.1517C>G, p.Ser506Cys (NM_133647.2); short protein forms S506C, S455C, S447C, S491C, S497C.
Identifiers: ClinVar variation 1471525 (VCV001471525.6), dbSNP rs2140726785, ClinGen allele CA391605933.

ClinVar aggregate classification (germline): Uncertain significance (1 of 4 stars; one submission).

Submission:

Labcorp Genetics (formerly Invitae), Labcorp
Classification: Uncertain significance. Last evaluated: 2021-11-23. Review status: criteria provided, single submitter. Criteria: Invitae Variant Classification Sherloc (09022015). Collection method: clinical testing. Allele origin: germline.
Comment: Algorithms developed to predict the effect of missense changes on protein structure and function are either unavailable or do not agree on the potential impact of this missense change (SIFT: "Deleterious"; PolyPhen-2: "Probably Damaging"; Align-GVGD: "Class C0"). This variant has not been reported in the literature in individuals affected with SLC12A6-related conditions. This variant is not present in population databases (gnomAD no frequency). This sequence change replaces serine, which is neutral and polar, with cysteine, which is neutral and slightly polar, at codon 506 of the SLC12A6 protein (p.Ser506Cys). In summary, the available evidence is currently insufficient to determine the role of this variant in disease. Therefore, it has been classified as a Variant of Uncertain Significance.